The following is an entry in ClinVar:

ClinVar aggregate classification (germline): no classifications from unflagged records (0 of 4 stars; one submission).

Conditions:
Pili torti-developmental delay-neurological abnormalities syndrome. Identifiers: Orphanet 2891, MedGen C1849811, MONDO:0009871, OMIM 261990.

Allele frequency attached by ClinVar (database versions not stated): gnomAD 0.00004 and 0.00003; gnomAD exomes 0.00013 and 0.00006; TOPMed 0.00004; ExAC 0.00006.
gnomAD v4.1: 200 of 1,612,934 alleles (0.012%); highest among the groups gnomAD compares: Non-Finnish European, 0.015%; no homozygotes.

Submissions (2):

Dr. Peter K. Rogan Lab, Western University
No classification provided (evidence only). Condition: Adrenocortical carcinoma, hereditary. Review status: no classification provided. Collection method: in vitro. Allele origin: not applicable. Functional consequence: retained intron. Not counted in ClinVar's aggregate classification.

OMIM
Classification: Pathogenic for ABNORMAL HAIR, JOINT LAXITY, AND DEVELOPMENTAL DELAY (1 patient). Last evaluated: 2019-06-25. Review status: flagged submission. Collection method: literature only. Allele origin: germline.
ClinVar note: Notes: Flagging candidate with reason of insufficient supporting evidence. This gene has been classified as having a limited gene-disease relationship by a ClinGen Expert Panel.
ClinVar note: Reason: P/LP classification for a variant in a gene with insufficient evidence for a gene-disease relationship

Literature cited by the submitters: PubMed 31125343 (cited by OMIM).

NM_001098672.2(HEPHL1):c.1063G>A (p.Ala355Thr)

Gene: HEPHL1 (hephaestin like 1; plus strand). Cytogenetic location: 11q21.
Variant type: single nucleotide variant.
Coding change: c.1063G>A on transcript NM_001098672.2 (MANE Select); coding-DNA position 1063, G replaced by A.
Protein change: p.Ala355Thr; replaces alanine 355 with threonine.
Molecular consequence: missense variant.
Genome position (GRCh38, 1-based): chr11:94,067,750, G>A. VCF-style: chr11-94067750-G-A. GRCh37 (hg19) VCF-style: chr11-93800916-G-A.
Other names: NC_000011.9:g.93800916G>A; EX5DEL; short protein forms A355T.
Identifiers: ClinVar variation 635195 (VCV000635195.2), dbSNP rs774463623, ClinGen allele CA6233131.
Genomic context (GRCh38, chr11:94,067,750, plus strand): 5'-ATGATAGCCGAGAATCCTGGGAAGTGGATGATAACCTGCCAGGTCAGCGACCACCTACAA[G>A]GTAAAAAGGATAAAGACCAGAGTTGATATGTTTAGAATGGTACAATCAAACCACACAGTC-3'
Protein context (NP_001092142.1, residues 345-365): ITCQVSDHLQ[Ala355Thr]GMLGQYNVDN